The following is an entry in ClinVar:

ClinVar aggregate classification (germline): Pathogenic (1 of 4 stars; one submission).

Conditions:
Alport syndrome. Also called: Hemorrhagic familial nephritis; Hemorrhagic hereditary nephritis; Congenital hereditary hematuria. Identifiers: Orphanet 63, MedGen C1567741, MONDO:0018965.

Submission:

Myriad Genetics, Inc.
Classification: Pathogenic for Alport syndrome. Last evaluated: 2025-11-10. Review status: criteria provided, single submitter. Criteria: Myriad Autosomal Dominant, Autosomal Recessive and X-Linked Classification Criteria (2023). Collection method: clinical testing. Allele origin: unknown.
Comment: NM_000091.4(COL4A3):c.184delC(Q62Rfs*31) is expected to be pathogenic in the context of Alport syndrome, COL4A3-related. This variant is predicted to lead to an abnormal or absent protein product due to the creation of a premature termination codon in COL4A3, a gene where loss-of-function variants are known to be pathogenic. Please note: this variant was assessed in the context of healthy population screening.

NM_000091.5(COL4A3):c.184del (p.Gln62fs)

Genes: COL4A3 (collagen type IV alpha 3 chain; plus strand), MFF-DT (MFF divergent transcript; minus strand). Cytogenetic location: 2q36.3.
Variant type: Deletion.
Coding change: c.184del on transcript NM_000091.5 (MANE Select); coding-DNA position 184, one base deleted (C; older notation c.184delC).
Protein change: p.Gln62fs; shifts the reading frame from glutamine 62.
Molecular consequence: frameshift variant.
Genome position (GRCh38, 1-based): chr2:227,240,182, C deleted; the last of 2 consecutive C bases (chr2:227,240,181-227,240,182); deleting either gives the same sequence. VCF-style (leftmost placement, unchanged base first): chr2-227240180-GC-G. GRCh37 (hg19) VCF-style: chr2-228104896-GC-G.
Other names: short protein forms Q62fs.
Identifiers: ClinVar variation 5015200 (VCV005015200.1).